The following is an entry in ClinVar:

ClinVar aggregate classification (germline): Uncertain significance (1 of 4 stars; one submission).

Conditions:
Hereditary cancer-predisposing syndrome. Also called: Hereditary neoplastic syndrome; Neoplastic Syndromes, Hereditary; Tumor predisposition; Hereditary Cancer Syndrome. Identifiers: Orphanet 140162, MedGen C0027672, MeSH D009386, MONDO:0015356.

Submission:

Ambry Genetics
Classification: Uncertain significance for Hereditary cancer-predisposing syndrome. Last evaluated: 2025-08-27. Review status: criteria provided, single submitter. Criteria: Ambry Variant Classification Scheme 2023. Collection method: clinical testing. Allele origin: germline.
Comment: The p.Q187K variant (also known as c.559C>A), located in coding exon 7 of the MUTYH gene, results from a C to A substitution at nucleotide position 559. The glutamine at codon 187 is replaced by lysine, an amino acid with similar properties. This amino acid position is conserved. In addition, this alteration is predicted to be tolerated by in silico analysis. Based on the available evidence, the clinical significance of this variant remains unclear.

NM_001048174.2(MUTYH):c.475C>A (p.Gln159Lys)

Gene: MUTYH (mutY DNA glycosylase; minus strand). Cytogenetic location: 1p34.1.
Variant type: single nucleotide variant.
Coding change: c.475C>A on transcript NM_001048174.2 (MANE Select); coding-DNA position 475, C replaced by A.
Protein change: p.Gln159Lys; replaces glutamine 159 with lysine.
Molecular consequence: missense variant. On other transcripts: non-coding transcript variant (7).
Genome position (GRCh38, 1-based): chr1:45,332,780, G>T on the plus strand (C>A on the coding strand, the complement: MUTYH is on the minus strand). VCF-style: chr1-45332780-G-T. GRCh37 (hg19) VCF-style: chr1-45798452-G-T.
Other names: c.130C>A, p.Gln44Lys (NM_001350651.2, NM_001350650.2, NM_001407082.1); c.508C>A, p.Gln170Lys (NM_001407069.1, NM_001407077.1, NM_001293191.2); c.475C>A, p.Gln159Lys (NM_001407070.1, NM_001407072.1, NM_001407073.1 and 6 more transcripts); c.478C>A, p.Gln160Lys (NM_001407071.1, NM_001407078.1, NM_001048172.2 and 1 more transcripts); c.391C>A, p.Gln131Lys (NM_001407075.1); c.199C>A, p.Gln67Lys (NM_001407091.1, NM_001293192.2, NM_001293196.2); c.550C>A, p.Gln184Lys (NM_012222.3); c.559C>A, p.Gln187Lys (NM_001128425.2); and 5 more; short protein forms Q170K, Q174K, Q146K, Q160K, Q184K, Q67K, Q166K, Q131K.
Identifiers: ClinVar variation 4113725 (VCV004113725.1).